The following is an entry in ClinVar:

NM_198503.5(KCNT2):c.976A>G (p.Arg326Gly)

Gene: KCNT2 (potassium sodium-activated channel subfamily T member 2; minus strand). Cytogenetic location: 1q31.3.
Variant type: single nucleotide variant.
Coding change: c.976A>G on transcript NM_198503.5 (MANE Select); coding-DNA position 976, A replaced by G.
Protein change: p.Arg326Gly; replaces arginine 326 with glycine.
Molecular consequence: missense variant. On other transcripts: non-coding transcript variant (2).
Genome position (GRCh38, 1-based): chr1:196,428,113, T>C on the plus strand (A>G on the coding strand, the complement: KCNT2 is on the minus strand). VCF-style: chr1-196428113-T-C. GRCh37 (hg19) VCF-style: chr1-196397243-T-C.
Other names: c.976A>G, p.Arg326Gly (NM_001287819.3, NM_001287820.3); short protein forms R326G.
Identifiers: ClinVar variation 1027925 (VCV001027925.1), dbSNP rs1673813088, ClinGen allele CA344080460.

ClinVar aggregate classification (germline): Uncertain significance (1 of 4 stars; one submission).

Conditions:
Developmental and epileptic encephalopathy, 57. Also called: EPILEPTIC ENCEPHALOPATHY, EARLY INFANTILE, 57. Identifiers: MedGen C4540411, MONDO:0033366, OMIM 617771.

Allele frequency attached by ClinVar (database versions not stated): gnomAD exomes below 0.00001.
gnomAD v4.1: 2 of 1,611,774 alleles (0.00012%); highest among the groups gnomAD compares: Non-Finnish European, 0.00017%; no homozygotes.

Submission:

Baylor Genetics
Classification: Uncertain significance for Developmental and epileptic encephalopathy, 57. Last evaluated: 2020-08-03. Review status: criteria provided, single submitter. Criteria: ACMG Guidelines, 2015. Collection method: clinical testing. Allele origin: unknown. Affected: yes.
Comment: This variant was determined to be of uncertain significance according to ACMG Guidelines, 2015 [PMID:25741868].